The following is an entry in ClinVar:

NM_025137.4(SPG11):c.3453+1G>T

Gene: SPG11 (SPG11 vesicle trafficking associated, spatacsin; minus strand). Cytogenetic location: 15q21.1.
Variant type: single nucleotide variant.
Coding change: c.3453+1G>T on transcript NM_025137.4 (MANE Select); the canonical splice donor site of the intron after coding-DNA position 3453, G replaced by T.
Molecular consequence: splice donor variant.
Genome position (GRCh38, 1-based): chr15:44,608,443, C>A on the plus strand (G>T on the coding strand, the complement: SPG11 is on the minus strand). VCF-style: chr15-44608443-C-A. GRCh37 (hg19) VCF-style: chr15-44900641-C-A.
Other names: c.3453+1G>T (NM_001411132.1, NM_001160227.2).
Identifiers: ClinVar variation 2585103 (VCV002585103.1), dbSNP rs2083377690, ClinGen allele CA392224599.

ClinVar aggregate classification (germline): Likely pathogenic (1 of 4 stars; one submission).

Conditions:
Hereditary spastic paraplegia 11. Also called: Spastic Paraplegia 11; SPASTIC PARAPLEGIA, AUTOSOMAL RECESSIVE, COMPLICATED, WITH THIN CORPUS CALLOSUM; SPASTIC PARAPLEGIA, AUTOSOMAL RECESSIVE, WITH MENTAL IMPAIRMENT AND THIN CORPUS CALLOSUM; Spastic paraplegia, mental retardation and thin corpus callosum; Nakamura Osame syndrome; Autosomal recessive hereditary spastic paraplegia, mental impairment, and thin corpus callosum. Identifiers: Orphanet 2822, MedGen C1858479, MONDO:0011445, OMIM 604360.

Allele frequency attached by ClinVar (database versions not stated): gnomAD exomes below 0.00001.
gnomAD v4.1: 2 of 1,613,976 alleles (0.00012%); highest among the groups gnomAD compares: Non-Finnish European, 0.00017%; no homozygotes.

Submission:

Neuberg Centre For Genomic Medicine, NCGM
Classification: Likely pathogenic for Hereditary spastic paraplegia 11. Review status: criteria provided, single submitter. Criteria: ACMG Guidelines, 2015. Collection method: clinical testing. Allele origin: germline. Inheritance: Autosomal recessive inheritance. Affected: yes.
Comment: The splice site variant c.3453+1G>T in SPG11 gene has not been reported previously as a pathogenic variant nor as a benign variant, to our knowledge. The c.3453+1G>T variant is novel (not in any individuals) in gnomAD Exomes and 1000 Genomes. The variant affects an invariant splice nucleotide and is expected to cause loss of function. Loss of function variants have been previously reported to be disease causing. For these reasons, this variant has been classified as Likely Pathogenic .